The following is an entry in ClinVar:

NM_002800.5(PSMB9):c.483A>G (p.Ala161=)

Gene: PSMB9 (proteasome 20S subunit beta 9; plus strand). Cytogenetic location: 6p21.32.
Variant type: single nucleotide variant.
Coding change: c.483A>G on transcript NM_002800.5 (MANE Select); coding-DNA position 483, A replaced by G.
Protein change: p.Ala161=; no amino-acid change (alanine 161 retained).
Molecular consequence: synonymous variant.
Genome position (GRCh38, 1-based): chr6:32,858,456, A>G. VCF-style: chr6-32858456-A-G. GRCh37 (hg19) VCF-style: chr6-32826233-A-G.
Other names: p.Ala161=.
Identifiers: ClinVar variation 2637885 (VCV002637885.6), dbSNP rs20547, ClinGen allele CA3747288.

ClinVar aggregate classification (germline): Benign. Review status: criteria provided, multiple submitters, no conflicts (2 of 4 stars). 4 submissions from 4 submitters: Benign (3). 1 of the submissions does not count toward it. Last evaluated 2026-01-21.

Conditions:
PSMB9-related disorder. Also called: PSMB9-related condition.

Allele frequency attached by ClinVar (database versions not stated): ESP Exome Variant Server 0.03093; gnomAD exomes 0.04792; gnomAD 0.04855; TOPMed 0.05090; ExAC 0.07416; 1000 Genomes Project 30x 0.09432; 1000 Genomes Project 0.10044.
gnomAD v4.1: 78,241 of 1,612,966 alleles (4.9%); highest among the groups gnomAD compares: East Asian, 23%; 3,716 homozygotes.

Submissions (4):

Women's Health and Genetics/Laboratory Corporation of America, LabCorp
Classification: Benign. Last evaluated: 2026-01-21. Review status: criteria provided, single submitter. Criteria: LabCorp Variant Classification Summary - May 2015. Collection method: clinical testing. Allele origin: germline.

Unidad de Genómica Garrahan, Hospital de Pediatría Garrahan
Classification: Benign. Last evaluated: 2023-11-14. Review status: criteria provided, single submitter. Criteria: ACMG Guidelines, 2015. Collection method: clinical testing. Allele origin: germline. Affected: no. Observed: 24 variant alleles.
Comment: This variant is classified as Benign based on local population frequency. This variant was detected in 25% of patients studied by a panel of primary immunodeficiencies. Number of patients: 24. Only high quality variants are reported.

Mayo Clinic Laboratories, Mayo Clinic
Classification: Benign. Last evaluated: 2022-09-06. Review status: criteria provided, single submitter. Criteria: ACMG Guidelines, 2015. Collection method: clinical testing. Allele origin: germline. Observed: 52 variant alleles.

PreventionGenetics, part of Exact Sciences
Classification: Benign for PSMB9-related condition. Last evaluated: 2019-10-21. Review status: no assertion criteria provided. Collection method: clinical testing. Allele origin: germline. Not counted in ClinVar's aggregate classification.
Comment: This variant is classified as benign based on ACMG/AMP sequence variant interpretation guidelines (Richards et al. 2015 PMID: 25741868, with internal and published modifications).